The following is an entry in ClinVar:

NC_000015.9:g.(?_48512811)_(48525055_?)del

Gene: SLC12A1 (solute carrier family 12 member 1; plus strand). Cytogenetic location: 15q21.1.
Variant type: Deletion.
Identifiers: ClinVar variation 3243858 (VCV003243858.1).

ClinVar aggregate classification (germline): Pathogenic (1 of 4 stars; one submission).

Submission:

Labcorp Genetics (formerly Invitae), Labcorp
Classification: Pathogenic. Last evaluated: 2023-08-17. Review status: criteria provided, single submitter. Criteria: Invitae Variant Classification Sherloc (09022015). Collection method: clinical testing. Allele origin: unknown.
Comment: This variant is a gross deletion of the genomic region encompassing exon(s) 3-8 of the SLC12A1 gene. This deletion is out-of-frame, and is expected to create a premature termination codon and result in an absent or disrupted protein product. Loss-of-function variants in SLC12A1 are known to be pathogenic (PMID: 8640224, 9585600, 19096086). This variant has not been reported in the literature in individuals affected with SLC12A1-related conditions. For these reasons, this variant has been classified as Pathogenic.

Literature cited by the submitters: PubMed 8640224; PubMed 9585600; PubMed 19096086.